The following is an entry in ClinVar:

NM_000081.4(LYST):c.2319_2320delinsAT (p.Leu774Phe)

Gene: LYST (lysosomal trafficking regulator; minus strand). Cytogenetic location: 1q42.3.
Variant type: Indel.
Coding change: c.2319_2320delinsAT on transcript NM_000081.4 (MANE Select); coding-DNA positions 2319 to 2320, GC replaced by AT.
Protein change: p.Leu774Phe; replaces leucine 774 with phenylalanine.
Molecular consequence: missense variant.
Genome position (GRCh38, 1-based): chr1:235,808,498-235,808,499, GC replaced by AT on the plus strand (GC replaced by AT on the coding strand, the reverse complement: LYST is on the minus strand). VCF-style: chr1-235808498-GC-AT. GRCh37 (hg19) VCF-style: chr1-235971798-GC-AT.
Other names: p.Leu774Phe; c.2319_2320delinsAT, p.Leu774Phe (NM_001301365.1); short protein forms L774F.
Identifiers: ClinVar variation 1492418 (VCV001492418.8), dbSNP rs2102878203, ClinGen allele CA2573132071.

ClinVar aggregate classification (germline): Uncertain significance. Review status: criteria provided, multiple submitters, no conflicts (2 of 4 stars). 3 submissions from 3 submitters: Uncertain significance (3). Last evaluated 2022-09-27.

Conditions:
Chédiak-Higashi syndrome (CHS). Also called: Chediak-Higashi Syndrome. Identifiers: Orphanet 167, MedGen C0007965, MONDO:0008963, OMIM 214500.

Submissions (3):

Labcorp Genetics (formerly Invitae), Labcorp
Classification: Uncertain significance for Chédiak-Higashi syndrome. Last evaluated: 2022-09-27. Review status: criteria provided, single submitter. Criteria: Invitae Variant Classification Sherloc (09022015). Collection method: clinical testing. Allele origin: germline.
Comment: This sequence change replaces leucine with phenylalanine at codon 774 of the LYST protein (p.Leu774Phe). The leucine residue is moderately conserved and there is a small physicochemical difference between leucine and phenylalanine. Information on the frequency of this variant in the gnomAD database is not available, as this variant may be reported differently in the database. This variant has not been reported in the literature in individuals affected with LYST-related conditions. ClinVar contains an entry for this variant (Variation ID: 1492418). Experimental studies and prediction algorithms are not available or were not evaluated, and the functional significance of this variant is currently unknown. In summary, the available evidence is currently insufficient to determine the role of this variant in disease. Therefore, it has been classified as a Variant of Uncertain Significance.

Blueprint Genetics
Classification: Uncertain significance. Last evaluated: 2022-09-09. Review status: criteria provided, single submitter. Criteria: ACMG Guidelines, 2015. Collection method: clinical testing. Allele origin: germline.

Mayo Clinic Laboratories, Mayo Clinic
Classification: Uncertain significance. Last evaluated: 2021-12-20. Review status: criteria provided, single submitter. Criteria: ACMG Guidelines, 2015. Collection method: clinical testing. Allele origin: germline.